The following is an entry in ClinVar:

NM_001378457.1(DMXL2):c.3917T>C (p.Leu1306Pro)

Gene: DMXL2 (Dmx like 2; minus strand). Cytogenetic location: 15q21.2.
Variant type: single nucleotide variant.
Coding change: c.3917T>C on transcript NM_001378457.1 (MANE Select); coding-DNA position 3917, T replaced by C.
Protein change: p.Leu1306Pro; replaces leucine 1306 with proline.
Molecular consequence: missense variant. On other transcripts: non-coding transcript variant (2), intron variant (2).
Genome position (GRCh38, 1-based): chr15:51,499,307, A>G on the plus strand (T>C on the coding strand, the complement: DMXL2 is on the minus strand). VCF-style: chr15-51499307-A-G. GRCh37 (hg19) VCF-style: chr15-51791504-A-G.
Other names: c.3917T>C, p.Leu1306Pro (NM_001174116.3, NM_001378458.1, NM_001378459.1 and 4 more transcripts); c.3677T>C, p.Leu1226Pro (NM_001378464.1); c.2765-7560T>C (NM_001378460.1); c.2765-4173T>C (NM_001174117.3); short protein forms L1306P, L1226P.
Identifiers: ClinVar variation 1909519 (VCV001909519.2), dbSNP rs899676687, ClinGen allele CA270574052.

ClinVar aggregate classification (germline): Uncertain significance (1 of 4 stars; one submission).

Allele frequency attached by ClinVar (database versions not stated): TOPMed below 0.00001; gnomAD 0.00001.
gnomAD v4.1: 1 of 1,613,842 alleles (0.000062%); highest among the groups gnomAD compares: Admixed American, 0.0017%; no homozygotes.

Submission:

Labcorp Genetics (formerly Invitae), Labcorp
Classification: Uncertain significance. Last evaluated: 2022-04-27. Review status: criteria provided, single submitter. Criteria: Invitae Variant Classification Sherloc (09022015). Collection method: clinical testing. Allele origin: germline.
Comment: This sequence change replaces leucine, which is neutral and non-polar, with proline, which is neutral and non-polar, at codon 1306 of the DMXL2 protein (p.Leu1306Pro). This variant is not present in population databases (gnomAD no frequency). This variant has not been reported in the literature in individuals affected with DMXL2-related conditions. Algorithms developed to predict the effect of missense changes on protein structure and function are either unavailable or do not agree on the potential impact of this missense change (SIFT: "Tolerated"; PolyPhen-2: "Possibly Damaging"; Align-GVGD: "Class C0"). In summary, the available evidence is currently insufficient to determine the role of this variant in disease. Therefore, it has been classified as a Variant of Uncertain Significance.